The following is an entry in ClinVar:

ClinVar aggregate classification (germline): Conflicting classifications of pathogenicity. Review status: criteria provided, conflicting classifications (1 of 4 stars). 2 submissions from 2 submitters: Uncertain significance (1); Likely benign (1). Last evaluated 2025-05-02.

Conditions:
Autosomal dominant nocturnal frontal lobe epilepsy 5. Also called: KCNT1-Related Epilepsy; CILIARY DYSKINESIA, PRIMARY, 28, WITHOUT SITUS INVERSUS; CILIARY DYSKINESIA, PRIMARY, 28, WITH SITUS INVERSUS; Epilepsy, nocturnal frontal lobe, 5. Identifiers: Orphanet 98784, MedGen C3554306, MONDO:0014002, OMIM 615005.
Developmental and epileptic encephalopathy, 14 (DEE14). Also called: Early infantile epileptic encephalopathy 14. Identifiers: Orphanet 293181, MedGen C3554195, MONDO:0013989, OMIM 614959.

gnomAD v4.1: 5 of 1,610,644 alleles (0.00031%); highest among the groups gnomAD compares: South Asian, 0.0044%; no homozygotes.

Submissions (2):

GeneDx
Classification: Uncertain significance. Last evaluated: 2025-05-02. Review status: criteria provided, single submitter. Criteria: GeneDx Variant Classification Process June 2021. Collection method: clinical testing. Allele origin: germline. Affected: yes.
Comment: In silico analysis suggests that this missense variant does not alter protein structure/function; Has not been previously published as pathogenic or benign to our knowledge

Labcorp Genetics (formerly Invitae), Labcorp
Classification: Likely benign for Autosomal dominant nocturnal frontal lobe epilepsy 5; Developmental and epileptic encephalopathy, 14. Last evaluated: 2024-08-04. Review status: criteria provided, single submitter. Criteria: Invitae Variant Classification Sherloc (09022015). Collection method: clinical testing. Allele origin: germline.

NM_020822.3(KCNT1):c.3248C>T (p.Ala1083Val)

Gene: KCNT1 (potassium sodium-activated channel subfamily T member 1; plus strand). Cytogenetic location: 9q34.3.
Variant type: single nucleotide variant.
Coding change: c.3248C>T on transcript NM_020822.3 (MANE Select); coding-DNA position 3248, C replaced by T.
Protein change: p.Ala1083Val; replaces alanine 1083 with valine.
Molecular consequence: missense variant.
Genome position (GRCh38, 1-based): chr9:135,786,267, C>T. VCF-style: chr9-135786267-C-T. GRCh37 (hg19) VCF-style: chr9-138678113-C-T.
Other names: c.3113C>T, p.Ala1038Val (NM_001272003.2); c.3248C>T (NM_020822.2); short protein forms A1038V, A1083V.
Identifiers: ClinVar variation 3762058 (VCV003762058.3).